The following is an entry in ClinVar:

NM_032888.4(COL27A1):c.409G>A (p.Val137Ile)

Gene: COL27A1 (collagen type XXVII alpha 1 chain; plus strand). Cytogenetic location: 9q32.
Variant type: single nucleotide variant.
Coding change: c.409G>A on transcript NM_032888.4 (MANE Select); coding-DNA position 409, G replaced by A.
Protein change: p.Val137Ile; replaces valine 137 with isoleucine.
Molecular consequence: missense variant.
Genome position (GRCh38, 1-based): chr9:114,167,964, G>A. VCF-style: chr9-114167964-G-A. GRCh37 (hg19) VCF-style: chr9-116930244-G-A.
Other names: short protein forms V137I.
Identifiers: ClinVar variation 2201402 (VCV002201402.1), dbSNP rs754511035, ClinGen allele CA198607754.

ClinVar aggregate classification (germline): Uncertain significance (1 of 4 stars; one submission).

Allele frequency attached by ClinVar (database versions not stated): gnomAD exomes 0.00001; TOPMed 0.00002.
gnomAD v4.1: 21 of 1,607,028 alleles (0.0013%); highest among the groups gnomAD compares: East Asian, 0.0067%; no homozygotes.

Submission:

Labcorp Genetics (formerly Invitae), Labcorp
Classification: Uncertain significance. Last evaluated: 2022-07-12. Review status: criteria provided, single submitter. Criteria: Invitae Variant Classification Sherloc (09022015). Collection method: clinical testing. Allele origin: germline.
Comment: This sequence change replaces valine, which is neutral and non-polar, with isoleucine, which is neutral and non-polar, at codon 137 of the COL27A1 protein (p.Val137Ile). This variant is present in population databases (rs754511035, gnomAD 0.003%). This variant has not been reported in the literature in individuals affected with COL27A1-related conditions. Advanced modeling of protein sequence and biophysical properties (such as structural, functional, and spatial information, amino acid conservation, physicochemical variation, residue mobility, and thermodynamic stability) performed at Invitae indicates that this missense variant is not expected to disrupt COL27A1 protein function. In summary, the available evidence is currently insufficient to determine the role of this variant in disease. Therefore, it has been classified as a Variant of Uncertain Significance.